The following is an entry in ClinVar:

ClinVar aggregate classification (germline): Uncertain significance (1 of 4 stars; one submission).

gnomAD v4.1: 3 of 1,613,802 alleles (0.00019%); highest among the groups gnomAD compares: Admixed American, 0.0017%; no homozygotes.

Submission:

CeGaT Center for Human Genetics Tuebingen
Classification: Uncertain significance. Last evaluated: 2025-07-01. Review status: criteria provided, single submitter. Criteria: CeGaT Center For Human Genetics Tuebingen Variant Classification Criteria Version 2. Collection method: clinical testing. Allele origin: germline. Affected: yes. Observed: 1 variant allele.
Comment: SPTB: PM2, BP4

NM_001355436.2(SPTB):c.2916C>G (p.Asp972Glu)

Gene: SPTB (spectrin beta, erythrocytic; minus strand). Cytogenetic location: 14q23.3.
Variant type: single nucleotide variant.
Coding change: c.2916C>G on transcript NM_001355436.2 (MANE Select); coding-DNA position 2916, C replaced by G.
Protein change: p.Asp972Glu; replaces aspartic acid 972 with glutamic acid.
Molecular consequence: missense variant.
Genome position (GRCh38, 1-based): chr14:64,787,049, G>C on the plus strand (C>G on the coding strand, the complement: SPTB is on the minus strand). VCF-style: chr14-64787049-G-C. GRCh37 (hg19) VCF-style: chr14-65253767-G-C.
Other names: c.2916C>G, p.Asp972Glu (NM_001024858.4, NM_001355437.2); short protein forms D972E.
Identifiers: ClinVar variation 4085373 (VCV004085373.8).